The following is an entry in ClinVar:

NM_004608.4(TBX6):c.551A>G (p.His184Arg)

Gene: TBX6 (T-box transcription factor 6; minus strand). Cytogenetic location: 16p11.2.
Variant type: single nucleotide variant.
Coding change: c.551A>G on transcript NM_004608.4 (MANE Select); coding-DNA position 551, A replaced by G.
Protein change: p.His184Arg; replaces histidine 184 with arginine.
Molecular consequence: missense variant.
Genome position (GRCh38, 1-based): chr16:30,089,013, T>C on the plus strand (A>G on the coding strand, the complement: TBX6 is on the minus strand). VCF-style: chr16-30089013-T-C. GRCh37 (hg19) VCF-style: chr16-30100334-T-C.
Other names: short protein forms H184R.
Identifiers: ClinVar variation 1312868 (VCV001312868.2), dbSNP rs2151032721, ClinGen allele CA395519740.

ClinVar aggregate classification (germline): Uncertain significance (1 of 4 stars; one submission).

gnomAD v4.1: 1 of 1,613,876 alleles (0.000062%); highest among the groups gnomAD compares: Non-Finnish European, 0.000085%; no homozygotes.

Submission:

GeneDx
Classification: Uncertain significance. Last evaluated: 2020-07-07. Review status: criteria provided, single submitter. Criteria: GeneDx Variant Classification Process June 2021. Collection method: clinical testing. Allele origin: germline. Affected: yes.
Comment: Not observed in large population cohorts (Lek et al., 2016); In silico analysis supports that this missense variant has a deleterious effect on protein structure/function; Has not been previously published as pathogenic or benign to our knowledge